The following is an entry in ClinVar:

ClinVar aggregate classification (germline): Pathogenic (1 of 4 stars; one submission).

Conditions:
MEGF10-related myopathy (CMYO10A). Also called: Congenital myopathy 10A, severe variant. Identifiers: Orphanet 439212, MedGen C3280679, MONDO:0013731, OMIM 614399.

Allele frequency attached by ClinVar (database versions not stated): gnomAD exomes below 0.00001.
gnomAD v4.1: 1 of 1,614,134 alleles (0.000062%); highest among the groups gnomAD compares: Admixed American, 0.0017%; no homozygotes.

Submission:

Labcorp Genetics (formerly Invitae), Labcorp
Classification: Pathogenic for MEGF10-related myopathy. Last evaluated: 2019-12-17. Review status: criteria provided, single submitter. Criteria: Invitae Variant Classification Sherloc (09022015). Collection method: clinical testing. Allele origin: germline.
Comment: For these reasons, this variant has been classified as Pathogenic. Loss-of-function variants in MEGF10 are known to be pathogenic (PMID: 22101682, 22371254, 23453856, 23954233). This variant has not been reported in the literature in individuals with MEGF10-related conditions. This variant is not present in population databases (ExAC no frequency). This sequence change creates a premature translational stop signal (p.Gln184*) in the MEGF10 gene. It is expected to result in an absent or disrupted protein product.

Literature cited by the submitters: PubMed 22101682; PubMed 22371254; PubMed 23453856; PubMed 23954233.

NM_001256545.2(MEGF10):c.550C>T (p.Gln184Ter)

Gene: MEGF10 (multiple EGF like domains 10; plus strand). Cytogenetic location: 5q23.2.
Variant type: single nucleotide variant.
Coding change: c.550C>T on transcript NM_001256545.2 (MANE Select); coding-DNA position 550, C replaced by T.
Protein change: p.Gln184Ter; replaces glutamine 184 with a stop codon.
Molecular consequence: nonsense.
Genome position (GRCh38, 1-based): chr5:127,396,669, C>T. VCF-style: chr5-127396669-C-T. GRCh37 (hg19) VCF-style: chr5-126732361-C-T.
Other names: c.550C>T, p.Gln184Ter (NM_001308119.2, NM_001308121.2, NM_032446.3); short protein forms Q184*.
Identifiers: ClinVar variation 864627 (VCV000864627.12), dbSNP rs1763927242, ClinGen allele CA360718588.
Genomic context (GRCh38, chr5:127,396,669, plus strand): 5'-ACCGGGGCTTGCCACTGTGCTGCGGGCTTCCGGGGCTGGCGCTGCGAGGACCGCTGTGAG[C>T]AGGGCACCTATGGTAACGACTGTCATCAGAGATGCCAGTGCCAGAATGGAGCCACCTGCG-3'